The following is an entry in ClinVar:

ClinVar aggregate classification (germline): Uncertain significance (1 of 4 stars; one submission).

Conditions:
Familial adenomatous polyposis 1 (FAP1). Also called: FAMILIAL ADENOMATOUS POLYPOSIS 1, ATTENUATED; POLYPOSIS, ADENOMATOUS INTESTINAL. Identifiers: MedGen C2713442, MONDO:0021056, OMIM 175100. Disease mechanism: loss of function.

Submission:

Labcorp Genetics (formerly Invitae), Labcorp
Classification: Uncertain significance for Familial adenomatous polyposis 1. Last evaluated: 2024-07-18. Review status: criteria provided, single submitter. Criteria: Invitae Variant Classification Sherloc (09022015). Collection method: clinical testing. Allele origin: germline.
Comment: This variant occurs in a non-coding region of the APC gene. It does not change the encoded amino acid sequence of the APC protein. This variant is not present in population databases (gnomAD no frequency). This variant has not been reported in the literature in individuals affected with APC-related conditions. Experimental studies and prediction algorithms are not available or were not evaluated, and the functional significance of this variant is currently unknown. In summary, the available evidence is currently insufficient to determine the role of this variant in disease. Therefore, it has been classified as a Variant of Uncertain Significance.

NM_001127511.3(APC):c.-154G>T

Gene: APC (APC regulator of Wnt signaling pathway; plus strand). Cytogenetic location: 5q22.2.
Variant type: single nucleotide variant.
Coding change: c.-154G>T on transcript NM_001127511.3; 154 bases upstream of the start codon, G replaced by T.
Molecular consequence: 5 prime UTR variant. On other transcripts: non-coding transcript variant (2).
Genome position (GRCh38, 1-based): chr5:112,707,564, G>T. VCF-style: chr5-112707564-G-T. GRCh37 (hg19) VCF-style: chr5-112043261-G-T.
Other names: c.-337G>T (NM_001354895.2, NM_001407447.1, NM_001407452.1 and 3 more transcripts); c.-154G>T (NM_001354897.2, NM_001354902.2, NM_001407446.1); c.-104G>T (NM_001407448.1, NM_001407450.1, NM_001407457.1 and 1 more transcripts); c.-128G>T (NM_001407453.1); c.-1372G>T (NM_001407470.1, NM_001407472.1).
Identifiers: ClinVar variation 1039537 (VCV001039537.9), dbSNP rs1750577100, ClinGen allele CA1573442452.